The following is an entry in ClinVar:

ClinVar aggregate classification (germline): Likely pathogenic. Review status: criteria provided, multiple submitters, no conflicts (2 of 4 stars). 2 submissions from 2 submitters: Likely pathogenic (2). Last evaluated 2026-03-02.

Conditions:
Intellectual disability. Also called: Intellectual developmental disorder; Intellectual functioning disability; intellectual disabilities. Identifiers: MedGen C3714756, MeSH D008607, MONDO:0001071, HP:0001249.
Cardiac anomalies - developmental delay - facial dysmorphism syndrome (MRFACD). Also called: Impaired intellectual development and distinctive facial features with or without cardiac defects; MED13L Syndrome. Identifiers: Orphanet 369891, MedGen C5192431, MONDO:0014773, OMIM 616789.

Submissions (2):

Broad Center for Mendelian Genomics, Broad Institute of MIT and Harvard
Classification: Likely pathogenic for Cardiac anomalies - developmental delay - facial dysmorphism syndrome. Last evaluated: 2026-03-02. Review status: criteria provided, single submitter. Criteria: ACMG Guidelines, 2015. Collection method: research. Allele origin: germline. Inheritance: Autosomal dominant inheritance.
Comment: The heterozygous p.Met949CysfsTer5 variant in MED13L was identified in 1 individual with impaired intellectual development and distinctive facial features with or without cardiac defects via a collaborative study between the Broad Institute's Center for Mendelian Genomics and the NeuroDev Study. The p.Met949CysfsTer5 variant in MED13L has not been previously reported in the literature in individuals with impaired intellectual development and distinctive facial features with or without cardiac defects and was absent from large population studies. This variant is predicted to cause a frameshift, which alters the protein’s amino acid sequence beginning at position 949 and leads to a premature termination codon 5 amino acids downstream. This alteration is then predicted to lead to a truncated or absent protein. Heterozygous loss of function of the MED13L gene is an established disease mechanism in impaired intellectual development and distinctive facial features with or without cardiac defects. In summary, although additional studies are required to fully establish its clinical significance, this variant is likely pathogenic for autosomal dominant impaired intellectual development and distinctive facial features with or without cardiac defects. ACMG/AMP Criteria applied: PVS1, PM2_supporting (Richards 2015).

Laboratory for Molecular Medicine, Mass General Brigham Personalized Medicine
Classification: Likely pathogenic for Intellectual disability. Last evaluated: 2023-08-28. Review status: criteria provided, single submitter. Criteria: ACMG Guidelines, 2015. Collection method: clinical testing. Allele origin: germline. Inheritance: Autosomal dominant inheritance.
Comment: The p.Met949CysfsX5 variant in MED13L has not been previously reported in affected individuals and was absent from large population studies. This variant is predicted to cause a frameshift, which alters the protein’s amino acid sequence beginning at position 949 and leads to a premature termination codon 5 amino acids downstream. This alteration is then predicted to lead to a truncated or absent protein. Loss of function of the MED13L gene is an established disease mechanism in autosomal dominant Impaired intellectual development and distinctive facial features with or without cardiac defects. In summary, although additional studies are required to fully establish its clinical significance, this variant meets criteria to be classified as likely pathogenic. ACMG/AMP Criteria applied: PVS1, PM2_Supporting.

NM_015335.5(MED13L):c.2844del (p.Met949fs)

Gene: MED13L (mediator complex subunit 13L; minus strand). Cytogenetic location: 12q24.21.
Variant type: Deletion.
Coding change: c.2844del on transcript NM_015335.5 (MANE Select); coding-DNA position 2844, one base deleted (C; older notation c.2844delC).
Protein change: p.Met949fs; shifts the reading frame from methionine 949.
Molecular consequence: frameshift variant.
Genome position (GRCh38, 1-based): chr12:115,996,628, G deleted on the plus strand (C on the coding strand, the reverse complement: MED13L is on the minus strand); the first of 2 consecutive G bases (chr12:115,996,628-115,996,629); deleting either gives the same sequence. VCF-style (leftmost placement, unchanged base first): chr12-115996627-TG-T. GRCh37 (hg19) VCF-style: chr12-116434432-TG-T.
Other names: NM_015335.5:c.2844del; short protein forms M949fs.
Identifiers: ClinVar variation 3075950 (VCV003075950.2), dbSNP rs35760315, ClinGen allele CA2579984141.
Genomic context (GRCh38, chr12:115,996,627, plus strand): 5'-CATCAGGTATCTTCAGAGGTAGCAAACAATGGCTCGGCAACATCTTCAGTGGAGCAAACA[TG>T]GAGGATCCCACAAAAGGTTGAAAGGATGGAACTTTGTGCACATATGAAAAGTCCTGTGAC-3'